The following is an entry in ClinVar:

ClinVar aggregate classification (germline): Uncertain significance (1 of 4 stars; one submission).

Conditions:
Glutamate formiminotransferase deficiency. Also called: Formiminoglutamic aciduria; Arakawa syndrome 1. Identifiers: Orphanet 51208, MedGen C0268609, MONDO:0009240, OMIM 229100.

Allele frequency attached by ClinVar (database versions not stated): gnomAD 0.00001; gnomAD exomes 0.00001; TOPMed 0.00002.
gnomAD v4.1: 14 of 1,612,736 alleles (0.00087%); highest among the groups gnomAD compares: South Asian, 0.0033%; no homozygotes.

Submission:

Labcorp Genetics (formerly Invitae), Labcorp
Classification: Uncertain significance for Glutamate formiminotransferase deficiency. Last evaluated: 2022-11-01. Review status: criteria provided, single submitter. Criteria: Invitae Variant Classification Sherloc (09022015). Collection method: clinical testing. Allele origin: germline.
Comment: This sequence change replaces aspartic acid, which is acidic and polar, with asparagine, which is neutral and polar, at codon 74 of the FTCD protein (p.Asp74Asn). In summary, the available evidence is currently insufficient to determine the role of this variant in disease. Therefore, it has been classified as a Variant of Uncertain Significance. Advanced modeling of protein sequence and biophysical properties (such as structural, functional, and spatial information, amino acid conservation, physicochemical variation, residue mobility, and thermodynamic stability) performed at Invitae indicates that this missense variant is not expected to disrupt FTCD protein function. This variant has not been reported in the literature in individuals affected with FTCD-related conditions. This variant is present in population databases (no rsID available, gnomAD 0.003%).

NM_206965.2(FTCD):c.220G>A (p.Asp74Asn)

Gene: FTCD (formimidoyltransferase cyclodeaminase; minus strand). Cytogenetic location: 21q22.3.
Variant type: single nucleotide variant.
Coding change: c.220G>A on transcript NM_206965.2 (MANE Select); coding-DNA position 220, G replaced by A.
Protein change: p.Asp74Asn; replaces aspartic acid 74 with asparagine.
Molecular consequence: missense variant.
Genome position (GRCh38, 1-based): chr21:46,154,167, C>T on the plus strand (G>A on the coding strand, the complement: FTCD is on the minus strand). VCF-style: chr21-46154167-C-T. GRCh37 (hg19) VCF-style: chr21-47574081-C-T.
Other names: c.220G>A, p.Asp74Asn (NM_001320412.2, NM_006657.3); short protein forms D74N.
Identifiers: ClinVar variation 2721828 (VCV002721828.3), dbSNP rs1398652399, ClinGen allele CA410522269.